The following is an entry in ClinVar:

ClinVar aggregate classification (germline): Uncertain significance (1 of 4 stars; one submission).

Conditions:
Inborn genetic diseases. Identifiers: MedGen C0950123, MeSH D030342.

gnomAD v4.1: 5 of 1,505,936 alleles (0.00033%); highest among the groups gnomAD compares: Non-Finnish European, 0.00035%; no homozygotes.

Submission:

Ambry Genetics
Classification: Uncertain significance for Inborn genetic diseases. Last evaluated: 2025-03-24. Review status: criteria provided, single submitter. Criteria: Ambry Variant Classification Scheme 2023. Collection method: clinical testing. Allele origin: germline.
Comment: The p.D81N variant (also known as c.241G>A), located in coding exon 1 of the SH2B3 gene, results from a G to A substitution at nucleotide position 241. The aspartic acid at codon 81 is replaced by asparagine, an amino acid with highly similar properties. This amino acid position is conserved. In addition, this alteration is predicted to be tolerated by in silico analysis. Based on the available evidence, the clinical significance of this variant remains unclear.

NM_005475.3(SH2B3):c.241G>A (p.Asp81Asn)

Gene: SH2B3 (SH2B adaptor protein 3; plus strand). Cytogenetic location: 12q24.12.
Variant type: single nucleotide variant.
Coding change: c.241G>A on transcript NM_005475.3 (MANE Select); coding-DNA position 241, G replaced by A.
Protein change: p.Asp81Asn; replaces aspartic acid 81 with asparagine.
Molecular consequence: missense variant.
Genome position (GRCh38, 1-based): chr12:111,418,386, G>A. VCF-style: chr12-111418386-G-A. GRCh37 (hg19) VCF-style: chr12-111856190-G-A.
Other names: short protein forms D81N.
Identifiers: ClinVar variation 3953378 (VCV003953378.1).